The following is an entry in ClinVar:

NM_004974.4(KCNA2):c.858G>T (p.Gln286His)

Gene: KCNA2 (potassium voltage-gated channel subfamily A member 2; minus strand). Cytogenetic location: 1p13.3.
Variant type: single nucleotide variant.
Coding change: c.858G>T on transcript NM_004974.4 (MANE Select); coding-DNA position 858, G replaced by T.
Protein change: p.Gln286His; replaces glutamine 286 with histidine.
Molecular consequence: missense variant.
Genome position (GRCh38, 1-based): chr1:110,603,925, C>A on the plus strand (G>T on the coding strand, the complement: KCNA2 is on the minus strand). VCF-style: chr1-110603925-C-A. GRCh37 (hg19) VCF-style: chr1-111146547-C-A.
Other names: c.858G>T, p.Gln286His (NM_001204269.2); short protein forms Q286H.
Identifiers: ClinVar variation 4057076 (VCV004057076.1).

ClinVar aggregate classification (germline): Uncertain significance (1 of 4 stars; one submission).

Submission:

GeneDx
Classification: Uncertain significance. Last evaluated: 2025-01-08. Review status: criteria provided, single submitter. Criteria: GeneDx Variant Classification Process June 2021. Collection method: clinical testing. Allele origin: germline. Affected: yes.
Comment: Not observed at significant frequency in large population cohorts (gnomAD); In silico analysis supports that this missense variant has a deleterious effect on protein structure/function; Has not been previously published as pathogenic or benign to our knowledge